The following is an entry in ClinVar:

NM_002609.4(PDGFRB):c.799_800inv (p.Asp267Ser)

Gene: PDGFRB (platelet derived growth factor receptor beta; minus strand). Cytogenetic location: 5q32.
Variant type: Inversion.
Coding change: c.799_800inv on transcript NM_002609.4 (MANE Select).
Protein change: p.Asp267Ser; replaces aspartic acid 267 with serine.
Molecular consequence: missense variant.
Genome position: GRCh38 VCF-style: chr5-150133720-TC-GA. GRCh37 (hg19) VCF-style: chr5-149513283-TC-GA.
Other names: c.607_608inv, p.Asp203Ser (NM_001355016.2); c.316_317inv, p.Asp106Ser (NM_001355017.2); short protein forms D106S, D203S, D267S.
Identifiers: ClinVar variation 4784649 (VCV004784649.1).

ClinVar aggregate classification (germline): Uncertain significance (1 of 4 stars; one submission).

Conditions:
Skeletal overgrowth-craniofacial dysmorphism-hyperelastic skin-white matter lesions syndrome. Also called: SKELETAL OVERGROWTH WITH FACIAL DYSMORPHISM, HYPERELASTIC SKIN, WHITE MATTER LESIONS, AND NEUROLOGIC DETERIORATION; Kosaki overgrowth syndrome. Identifiers: Orphanet 477831, MedGen C4225270, MONDO:0014704, OMIM 616592.
Acroosteolysis-keloid-like lesions-premature aging syndrome. Also called: Premature aging syndrome, Penttinen type; Prematurely aged appearance, delayed bone maturation, acro-osteolysis, and brachydactyly; Progeroid syndrome, Penttinen type. Identifiers: Orphanet 363665, MedGen C1866182, MONDO:0011150, OMIM 601812.
Infantile myofibromatosis (IMF). Also called: Congenital generalized fibromatosis. Identifiers: Orphanet 2591, MedGen C0432284, MONDO:0016824.
Basal ganglia calcification, idiopathic, 4 (PFBC4). Also called: Familial Idiopathic Basal Ganglia Calcification 4; PRIMARY FAMILIAL BRAIN CALCIFICATION 4, AUTOSOMAL DOMINANT. Identifiers: Orphanet 1980, MedGen C3554321, MONDO:0014004, OMIM 615007.

Submission:

Labcorp Genetics (formerly Invitae), Labcorp
Classification: Uncertain significance for Basal ganglia calcification, idiopathic, 4; Skeletal overgrowth-craniofacial dysmorphism-hyperelastic skin-white matter lesions syndrome; Infantile myofibromatosis; Acroosteolysis-keloid-like lesions-premature aging syndrome. Last evaluated: 2025-04-08. Review status: criteria provided, single submitter. Criteria: Invitae Variant Classification Sherloc (09022015). Collection method: clinical testing. Allele origin: germline.
Comment: This sequence change replaces aspartic acid, which is acidic and polar, with serine, which is neutral and polar, at codon 267 of the PDGFRB protein (p.Asp267Ser). Information on the frequency of this variant in the gnomAD database is not available, as this variant may be reported differently in the database. This variant has not been reported in the literature in individuals affected with PDGFRB-related conditions. An algorithm developed to predict the effect of missense changes on protein structure and function (PolyPhen-2) suggests that this variant is likely to be tolerated. In summary, the available evidence is currently insufficient to determine the role of this variant in disease. Therefore, it has been classified as a Variant of Uncertain Significance.